The following is an entry in ClinVar:

NM_005477.3(HCN4):c.2675C>T (p.Ala892Val)

Gene: HCN4 (hyperpolarization activated cyclic nucleotide gated potassium channel 4; minus strand). Cytogenetic location: 15q24.1.
Variant type: single nucleotide variant.
Coding change: c.2675C>T on transcript NM_005477.3 (MANE Select); coding-DNA position 2675, C replaced by T.
Protein change: p.Ala892Val; replaces alanine 892 with valine.
Molecular consequence: missense variant.
Genome position (GRCh38, 1-based): chr15:73,323,418, G>A on the plus strand (C>T on the coding strand, the complement: HCN4 is on the minus strand). VCF-style: chr15-73323418-G-A. GRCh37 (hg19) VCF-style: chr15-73615759-G-A.
Other names: short protein forms A892V.
Identifiers: ClinVar variation 1010839 (VCV001010839.8), dbSNP rs2042876797, ClinGen allele CA393088437.

ClinVar aggregate classification (germline): Uncertain significance (1 of 4 stars; one submission).

Conditions:
Brugada syndrome 8 (BRGDA8). Identifiers: Orphanet 130, MedGen C2751083, MONDO:0013148, OMIM 613123.

Submission:

Labcorp Genetics (formerly Invitae), Labcorp
Classification: Uncertain significance for Brugada syndrome 8. Last evaluated: 2020-09-03. Review status: criteria provided, single submitter. Criteria: Invitae Variant Classification Sherloc (09022015). Collection method: clinical testing. Allele origin: germline.
Comment: This sequence change replaces alanine with valine at codon 892 of the HCN4 protein (p.Ala892Val). The alanine residue is highly conserved and there is a small physicochemical difference between alanine and valine. This variant is not present in population databases (ExAC no frequency). This variant has not been reported in the literature in individuals with HCN4-related conditions. Advanced modeling of protein sequence and biophysical properties (such as structural, functional, and spatial information, amino acid conservation, physicochemical variation, residue mobility, and thermodynamic stability) performed at Invitae indicates that this missense variant is not expected to disrupt HCN4 protein function. In summary, the available evidence is currently insufficient to determine the role of this variant in disease. Therefore, it has been classified as a Variant of Uncertain Significance.